The following is an entry in ClinVar:

NM_178822.5(IGSF10):c.3562C>T (p.Pro1188Ser)

Gene: IGSF10 (immunoglobulin superfamily member 10; minus strand). Cytogenetic location: 3q25.1.
Variant type: single nucleotide variant.
Coding change: c.3562C>T on transcript NM_178822.5 (MANE Select); coding-DNA position 3562, C replaced by T.
Protein change: p.Pro1188Ser; replaces proline 1188 with serine.
Molecular consequence: missense variant.
Genome position (GRCh38, 1-based): chr3:151,446,419, G>A on the plus strand (C>T on the coding strand, the complement: IGSF10 is on the minus strand). VCF-style: chr3-151446419-G-A. GRCh37 (hg19) VCF-style: chr3-151164207-G-A.
Other names: c.3562C>T, p.Pro1188Ser (NM_001385060.1, NM_001385061.1, NM_001385062.1 and 1 more transcripts); short protein forms P1188S.
Identifiers: ClinVar variation 3673010 (VCV003673010.2).

ClinVar aggregate classification (germline): Uncertain significance (1 of 4 stars; one submission).

gnomAD v4.1: 9 of 1,613,974 alleles (0.00056%); highest among the groups gnomAD compares: East Asian, 0.0022%; no homozygotes.

Submission:

Labcorp Genetics (formerly Invitae), Labcorp
Classification: Uncertain significance. Last evaluated: 2024-11-21. Review status: criteria provided, single submitter. Criteria: Invitae Variant Classification Sherloc (09022015). Collection method: clinical testing. Allele origin: germline.
Comment: This sequence change replaces proline, which is neutral and non-polar, with serine, which is neutral and polar, at codon 1188 of the IGSF10 protein (p.Pro1188Ser). This variant is not present in population databases (gnomAD no frequency). This variant has not been reported in the literature in individuals affected with IGSF10-related conditions. An algorithm developed to predict the effect of missense changes on protein structure and function outputs the following: PolyPhen-2: "Benign". The serine amino acid residue is found in multiple mammalian species, which suggests that this missense change does not adversely affect protein function. In summary, the available evidence is currently insufficient to determine the role of this variant in disease. Therefore, it has been classified as a Variant of Uncertain Significance.